The following is an entry in ClinVar:

ClinVar aggregate classification (germline): Uncertain significance (1 of 4 stars; one submission).

gnomAD v4.1: 1 of 1,614,082 alleles (0.000062%); highest among the groups gnomAD compares: East Asian, 0.0022%; no homozygotes.

Submission:

Labcorp Genetics (formerly Invitae), Labcorp
Classification: Uncertain significance. Last evaluated: 2025-03-18. Review status: criteria provided, single submitter. Criteria: Invitae Variant Classification Sherloc (09022015). Collection method: clinical testing. Allele origin: germline.
Comment: This sequence change replaces aspartic acid, which is acidic and polar, with asparagine, which is neutral and polar, at codon 488 of the MAMDC2 protein (p.Asp488Asn). This variant is present in population databases (rs535376055, gnomAD 0.006%). This variant has not been reported in the literature in individuals affected with MAMDC2-related conditions. An algorithm developed to predict the effect of missense changes on protein structure and function (PolyPhen-2) suggests that this variant is likely to be disruptive. In summary, the available evidence is currently insufficient to determine the role of this variant in disease. Therefore, it has been classified as a Variant of Uncertain Significance.

NM_153267.5(MAMDC2):c.1462G>A (p.Asp488Asn)

Genes: MAMDC2 (MAM domain containing 2; plus strand), MAMDC2-AS1 (MAMDC2 antisense RNA 1; minus strand). Cytogenetic location: 9q21.12.
Variant type: single nucleotide variant.
Coding change: c.1462G>A on transcript NM_153267.5 (MANE Select); coding-DNA position 1462, G replaced by A.
Protein change: p.Asp488Asn; replaces aspartic acid 488 with asparagine.
Molecular consequence: missense variant. On other transcripts: non-coding transcript variant (1).
Genome position (GRCh38, 1-based): chr9:70,168,759, G>A. VCF-style: chr9-70168759-G-A. GRCh37 (hg19) VCF-style: chr9-72783675-G-A.
Other names: c.1462G>A, p.Asp488Asn (NM_001347990.2); short protein forms D488N.
Identifiers: ClinVar variation 4715362 (VCV004715362.1).